The following is an entry in ClinVar:

NC_000018.9:g.(?_42281312)_(45423127_?)del

Genes: ARK2C (arkadia (RNF111) C-terminal like ring finger ubiquitin ligase 2C; plus strand), ARK2N (arkadia (RNF111) N-terminal like PKA signaling regulator 2N; plus strand), ATP5F1A (ATP synthase F1 subunit alpha; minus strand), ELOA2 (elongin A2; minus strand), EPG5 (ectopic P-granules 5 autophagy tethering factor; minus strand) and 14 more. Cytogenetic location: 18q12.3-21.1.
Variant type: Deletion.
Identifiers: ClinVar variation 3242804 (VCV003242804.1).

ClinVar aggregate classification (germline): Pathogenic (1 of 4 stars; one submission).

Submission:

Labcorp Genetics (formerly Invitae), Labcorp
Classification: Pathogenic. Last evaluated: 2023-07-07. Review status: criteria provided, single submitter. Criteria: Invitae Variant Classification Sherloc (09022015). Collection method: clinical testing. Allele origin: unknown.
Comment: For these reasons, this variant has been classified as Pathogenic. Isolated whole-gene deletions of SETBP1 have not been reported in the literature. However, larger copy number events that include this gene have been reported (PMID: 21037274). A gross deletion of the genomic region encompassing the full coding sequence of the SETBP1 gene has been identified. Loss-of-function variants in SETBP1 are known to be pathogenic (PMID: 21037274, 25217958). The boundaries of this event are unknown as they extend beyond the assayed region for this gene and therefore may encompass additional genes.

Literature cited by the submitters: PubMed 21037274; PubMed 25217958.